The following is an entry in ClinVar:

NM_001330078.2(NRXN1):c.847A>G (p.Ile283Val)

Gene: NRXN1 (neurexin 1; minus strand). Cytogenetic location: 2p16.3.
Variant type: single nucleotide variant.
Coding change: c.847A>G on transcript NM_001330078.2 (MANE Select); coding-DNA position 847, A replaced by G.
Protein change: p.Ile283Val; replaces isoleucine 283 with valine.
Molecular consequence: missense variant.
Genome position (GRCh38, 1-based): chr2:50,623,601, T>C on the plus strand (A>G on the coding strand, the complement: NRXN1 is on the minus strand). VCF-style: chr2-50623601-T-C. GRCh37 (hg19) VCF-style: chr2-50850739-T-C.
Other names: c.946A>G, p.Ile316Val (NM_001135659.3); c.847A>G, p.Ile283Val (NM_001330077.2, NM_001330082.2, NM_001330085.2 and 3 more transcripts); c.787A>G, p.Ile263Val (NM_001330083.2, NM_001330084.2, NM_001330087.2 and 1 more transcripts); c.817A>G, p.Ile273Val (NM_001330088.2); c.844A>G, p.Ile282Val (NM_001330093.2); c.835A>G, p.Ile279Val (NM_001330094.2); short protein forms I316V, I263V, I282V, I273V, I279V, I283V.
Identifiers: ClinVar variation 436037 (VCV000436037.15), dbSNP rs748218169, ClinGen allele CA1655152.

ClinVar aggregate classification (germline): Uncertain significance. Review status: criteria provided, multiple submitters, no conflicts (2 of 4 stars). 3 submissions from 3 submitters: Uncertain significance (3). Last evaluated 2025-09-14.

Conditions:
Pitt-Hopkins-like syndrome 2 (PTHSL2). Identifiers: Orphanet 221150, Orphanet 600663, MedGen C3280479, MONDO:0013690, OMIM 614325.
Inborn genetic diseases. Identifiers: MedGen C0950123, MeSH D030342.

Allele frequency attached by ClinVar (database versions not stated): gnomAD exomes 0.00001 and 0.00005; ExAC 0.00003; TOPMed 0.00005; gnomAD 0.00007.
gnomAD v4.1: 33 of 1,609,366 alleles (0.0021%); highest among the groups gnomAD compares: Admixed American, 0.038%; no homozygotes.

Submissions (3):

Labcorp Genetics (formerly Invitae), Labcorp
Classification: Uncertain significance for Pitt-Hopkins-like syndrome 2. Last evaluated: 2025-09-14. Review status: criteria provided, single submitter. Criteria: Invitae Variant Classification Sherloc (09022015). Collection method: clinical testing. Allele origin: germline.
Comment: This sequence change replaces isoleucine, which is neutral and non-polar, with valine, which is neutral and non-polar, at codon 316 of the NRXN1 protein (p.Ile316Val). This variant is present in population databases (rs748218169, gnomAD 0.03%). This variant has not been reported in the literature in individuals affected with NRXN1-related conditions. ClinVar contains an entry for this variant (Variation ID: 436037). An algorithm developed to predict the effect of missense changes on protein structure and function (PolyPhen-2) suggests that this variant is likely to be tolerated. In summary, the available evidence is currently insufficient to determine the role of this variant in disease. Therefore, it has been classified as a Variant of Uncertain Significance.

Ambry Genetics
Classification: Uncertain significance for Inborn genetic diseases. Last evaluated: 2024-11-21. Review status: criteria provided, single submitter. Criteria: Ambry Variant Classification Scheme 2023. Collection method: clinical testing. Allele origin: germline.

Genetic Services Laboratory, University of Chicago
Classification: Uncertain significance. Last evaluated: 2017-02-01. Review status: criteria provided, single submitter. Criteria: ACMG Guidelines, 2015. Collection method: clinical testing. Allele origin: germline. Affected: no.